The following is an entry in ClinVar:

NM_000059.4(BRCA2):c.8253T>C (p.Ile2751=)

Gene: BRCA2 (BRCA2 DNA repair associated; plus strand). Cytogenetic location: 13q13.1.
Variant type: single nucleotide variant.
Coding change: c.8253T>C on transcript NM_000059.4 (MANE Select); coding-DNA position 8253, T replaced by C.
Protein change: p.Ile2751=; no amino-acid change (isoleucine 2751 retained).
Molecular consequence: synonymous variant.
Genome position (GRCh38, 1-based): chr13:32,363,455, T>C. VCF-style: chr13-32363455-T-C. GRCh37 (hg19) VCF-style: chr13-32937592-T-C.
Identifiers: ClinVar variation 427442 (VCV000427442.4), dbSNP rs757501907, ClinGen allele CA6941200.

ClinVar aggregate classification (germline): Likely benign. Review status: reviewed by expert panel (3 of 4 stars). 2 submissions from 2 submitters: Likely benign (1). 1 of the submissions does not count toward it. Last evaluated 2017-06-29.

Conditions:
Hereditary cancer-predisposing syndrome. Also called: Hereditary neoplastic syndrome; Hereditary Cancer Syndrome; Neoplastic Syndromes, Hereditary; Tumor predisposition. Identifiers: Orphanet 140162, MedGen C0027672, MeSH D009386, MONDO:0015356.
Breast-ovarian cancer, familial, susceptibility to, 2 (BROVCA2). Also called: BRCA2 Hereditary Breast and Ovarian Cancer. Identifiers: Orphanet 145, MedGen C2675520, MONDO:0012933, OMIM 612555. Disease mechanism: loss of function.

Allele frequency attached by ClinVar (database versions not stated): gnomAD exomes below 0.00001; TOPMed below 0.00001; ExAC 0.00001.
gnomAD v4.1: 1 of 1,614,030 alleles (0.000062%); highest among the groups gnomAD compares: African/African-American, 0.0013%; no homozygotes.

Submissions (2):

Evidence-based Network for the Interpretation of Germline Mutant Alleles (ENIGMA)
Classification: Likely benign for Breast-ovarian cancer, familial, susceptibility to, 2. Last evaluated: 2017-06-29. Review status: reviewed by expert panel. Criteria: ENIGMA BRCA1/2 Classification Criteria (2017-06-29). Collection method: curation. Allele origin: germline.
Comment: Synonymous substitution variant, with low bioinformatic likelihood to result in a splicing aberration (Splicing prior probability 0.02).

Ambry Genetics
Classification: Likely benign for Hereditary cancer-predisposing syndrome. Last evaluated: 2025-06-23. Review status: criteria provided, single submitter. Criteria: Ambry Variant Classification Scheme 2023. Collection method: clinical testing. Allele origin: germline. Not counted in ClinVar's aggregate classification.